The following is an entry in ClinVar:

ClinVar aggregate classification (germline): Uncertain significance. Review status: criteria provided, multiple submitters, no conflicts (2 of 4 stars). 2 submissions from 2 submitters: Uncertain significance (2). Last evaluated 2025-02-12.

Conditions:
Pancreatic adenocarcinoma. Identifiers: MedGen C0281361, MONDO:0006047, HP:0006725.

Allele frequency attached by ClinVar (database versions not stated): gnomAD exomes below 0.00001 and 0.00001; TOPMed below 0.00001; ExAC 0.00001; gnomAD 0.00001.
gnomAD v4.1: 12 of 1,604,012 alleles (0.00075%); highest among the groups gnomAD compares: African/African-American, 0.0067%; no homozygotes.

Submissions (2):

Labcorp Genetics (formerly Invitae), Labcorp
Classification: Uncertain significance for Pancreatic adenocarcinoma. Last evaluated: 2025-02-12. Review status: criteria provided, single submitter. Criteria: Invitae Variant Classification Sherloc (09022015). Collection method: clinical testing. Allele origin: germline.
Comment: This sequence change replaces arginine, which is basic and polar, with cysteine, which is neutral and slightly polar, at codon 372 of the PALLD protein (p.Arg372Cys). This variant is present in population databases (rs764242515, gnomAD 0.002%). This variant has not been reported in the literature in individuals affected with PALLD-related conditions. ClinVar contains an entry for this variant (Variation ID: 219554). An algorithm developed to predict the effect of missense changes on protein structure and function (PolyPhen-2) suggests that this variant is likely to be disruptive. In summary, the available evidence is currently insufficient to determine the role of this variant in disease. Therefore, it has been classified as a Variant of Uncertain Significance.

Ambry Genetics
Classification: Uncertain significance. Last evaluated: 2023-09-01. Review status: criteria provided, single submitter. Criteria: Ambry Variant Classification Scheme 2023. Collection method: clinical testing. Allele origin: germline.
Comment: The p.R859C variant (also known as c.2575C>T), located in coding exon 14 of the PALLD gene, results from a C to T substitution at nucleotide position 2575. The arginine at codon 859 is replaced by cysteine, an amino acid with highly dissimilar properties. This amino acid position is conserved. In addition, this alteration is predicted to be deleterious by in silico analysis. Since supporting evidence is limited at this time, the clinical significance of this alteration remains unclear.

NM_001166108.2(PALLD):c.2626C>T (p.Arg876Cys)

Genes: CBR4 (carbonyl reductase 4; minus strand), PALLD (palladin, cytoskeletal associated protein; plus strand). Cytogenetic location: 4q32.3.
Variant type: single nucleotide variant.
Coding change: c.2626C>T on transcript NM_001166108.2 (MANE Select); coding-DNA position 2626, C replaced by T.
Protein change: p.Arg876Cys; replaces arginine 876 with cysteine.
Molecular consequence: missense variant.
Genome position (GRCh38, 1-based): chr4:168,913,930, C>T. VCF-style: chr4-168913930-C-T. GRCh37 (hg19) VCF-style: chr4-169835081-C-T.
Other names: c.1429C>T, p.Arg477Cys (NM_001166109.2); c.1114C>T, p.Arg372Cys (NM_001166110.2); c.454C>T, p.Arg152Cys (NM_001367567.1, NM_001367569.1); c.505C>T, p.Arg169Cys (NM_001367568.1, NM_001367570.1); c.2575C>T, p.Arg859Cys (NM_016081.4); short protein forms R859C, R372C, R152C, R876C, R169C, R477C.
Identifiers: ClinVar variation 219554 (VCV000219554.13), dbSNP rs764242515, ClinGen allele CA348709.
Genomic context (GRCh38, chr4:168,913,930, plus strand): 5'-TGCTTAGTGGTTAATAGTTTTAAATAGCAAATCATTTATTTCCTGATATTTCTACAGGGC[C>T]GCATCAGTTGTACTGGACGGCTAATGGTACAGGCTGTCAACCAAAGAGGTCGAAGTCCCC-3'
Protein context (NP_001159580.1, residues 866-886): YTIMAANPQG[Arg876Cys]ISCTGRLMVQ